The following is an entry in ClinVar:

ClinVar aggregate classification (germline): Uncertain significance (1 of 4 stars; one submission).

Conditions:
Nephronophthisis. Also called: Juvenile Nephronophthisis. Identifiers: Orphanet 655, MedGen C0687120, MONDO:0019005, HP:0000090.

gnomAD v4.1: 2 of 1,613,166 alleles (0.00012%); highest among the groups gnomAD compares: South Asian, 0.0022%; no homozygotes.

Submission:

Labcorp Genetics (formerly Invitae), Labcorp
Classification: Uncertain significance for Nephronophthisis. Last evaluated: 2019-08-21. Review status: criteria provided, single submitter. Criteria: Invitae Variant Classification Sherloc (09022015). Collection method: clinical testing. Allele origin: germline.
Comment: In summary, the available evidence is currently insufficient to determine the role of this variant in disease. Therefore, it has been classified as a Variant of Uncertain Significance. Algorithms developed to predict the effect of missense changes on protein structure and function (SIFT, PolyPhen-2, Align-GVGD) all suggest that this variant is likely to be tolerated, but these predictions have not been confirmed by published functional studies and their clinical significance is uncertain. This variant has not been reported in the literature in individuals with NPHP3-related conditions. This variant is not present in population databases (ExAC no frequency). This sequence change replaces threonine with arginine at codon 121 of the NPHP3 protein (p.Thr121Arg). The threonine residue is moderately conserved and there is a moderate physicochemical difference between threonine and arginine.

NM_153240.5(NPHP3):c.362C>G (p.Thr121Arg)

Genes: NPHP3 (nephrocystin 3; minus strand), NPHP3-ACAD11 (NPHP3-ACAD11 readthrough (NMD candidate); minus strand), NPHP3-AS1 (NPHP3 antisense RNA 1; plus strand). Cytogenetic location: 3q22.1.
Variant type: single nucleotide variant.
Coding change: c.362C>G on transcript NM_153240.5 (MANE Select); coding-DNA position 362, C replaced by G.
Protein change: p.Thr121Arg; replaces threonine 121 with arginine.
Molecular consequence: missense variant. On other transcripts: non-coding transcript variant (3).
Genome position (GRCh38, 1-based): chr3:132,721,994, G>C on the plus strand (C>G on the coding strand, the complement: NPHP3 is on the minus strand). VCF-style: chr3-132721994-G-C. GRCh37 (hg19) VCF-style: chr3-132440838-G-C.
Other names: short protein forms T121R.
Identifiers: ClinVar variation 949628 (VCV000949628.9), dbSNP rs1940240950, ClinGen allele CA354588829.